The following is an entry in ClinVar:

ClinVar aggregate classification (germline): Likely benign (1 of 4 stars; one submission).

Conditions:
Colorectal cancer, susceptibility to, 12 (CRCS12). Also called: COLORECTAL CANCER, SUSCEPTIBILITY TO, ON CHROMOSOME 12q24. Identifiers: Orphanet 220460, MedGen C3554460, MONDO:0014038, OMIM 615083.

Submission:

Myriad Genetics, Inc.
Classification: Likely benign for Colorectal cancer, susceptibility to, 12. Last evaluated: 2025-02-07. Review status: criteria provided, single submitter. Criteria: Myriad Autosomal Dominant, Autosomal Recessive and X-Linked Classification Criteria (2023). Collection method: clinical testing. Allele origin: unknown.
Comment: This variant is considered likely benign. This variant is intronic and is not expected to impact mRNA splicing.

NM_006231.4(POLE):c.1020+8G>A

Gene: POLE (DNA polymerase epsilon, catalytic subunit; minus strand). Cytogenetic location: 12q24.33.
Variant type: single nucleotide variant.
Coding change: c.1020+8G>A on transcript NM_006231.4 (MANE Select); 8 bases into the intron after coding-DNA position 1020, G replaced by A.
Molecular consequence: intron variant.
Genome position (GRCh38, 1-based): chr12:132,676,086, C>T on the plus strand (G>A on the coding strand, the complement: POLE is on the minus strand). VCF-style: chr12-132676086-C-T. GRCh37 (hg19) VCF-style: chr12-133252672-C-T.
Identifiers: ClinVar variation 3904130 (VCV003904130.1).